The following is an entry in ClinVar:

NM_005732.4(RAD50):c.785T>G (p.Leu262Arg)

Gene: RAD50 (RAD50 double strand break repair protein; plus strand). Cytogenetic location: 5q31.1.
Variant type: single nucleotide variant.
Coding change: c.785T>G on transcript NM_005732.4 (MANE Select); coding-DNA position 785, T replaced by G.
Protein change: p.Leu262Arg; replaces leucine 262 with arginine.
Molecular consequence: missense variant.
Genome position (GRCh38, 1-based): chr5:132,587,590, T>G. VCF-style: chr5-132587590-T-G. GRCh37 (hg19) VCF-style: chr5-131923282-T-G.
Other names: short protein forms L262R.
Identifiers: ClinVar variation 185329 (VCV000185329.23), dbSNP rs201728859, ClinGen allele CA333876.

ClinVar aggregate classification (germline): Uncertain significance. Review status: criteria provided, multiple submitters, no conflicts (2 of 4 stars). 6 submissions from 6 submitters: Uncertain significance (6). Last evaluated 2026-01-05.

Conditions:
Hereditary cancer-predisposing syndrome. Also called: Hereditary neoplastic syndrome; Neoplastic Syndromes, Hereditary; Tumor predisposition; Hereditary Cancer Syndrome. Identifiers: Orphanet 140162, MedGen C0027672, MeSH D009386, MONDO:0015356.
Nijmegen breakage syndrome-like disorder (NBSLD). Also called: MICROCEPHALY AND SPONTANEOUS CHROMOSOME INSTABILITY WITHOUT IMMUNODEFICIENCY; NBS-LIKE DISORDER; RAD50 DEFICIENCY. Identifiers: Orphanet 240760, MedGen C2751318, MONDO:0013118, OMIM 613078.

Allele frequency attached by ClinVar (database versions not stated): gnomAD 0.00002 and 0.00003; gnomAD exomes 0.00005 and 0.00011; TOPMed 0.00006; ExAC 0.00007; ESP Exome Variant Server 0.00008.
gnomAD v4.1: 168 of 1,613,148 alleles (0.01%); highest among the groups gnomAD compares: Non-Finnish European, 0.014%; 1 homozygote.

Submissions (6):

Labcorp Genetics (formerly Invitae), Labcorp
Classification: Uncertain significance for Hereditary cancer-predisposing syndrome. Last evaluated: 2026-01-05. Review status: criteria provided, single submitter. Criteria: Invitae Variant Classification Sherloc (09022015). Collection method: clinical testing. Allele origin: germline.
Comment: This sequence change replaces leucine, which is neutral and non-polar, with arginine, which is basic and polar, at codon 262 of the RAD50 protein (p.Leu262Arg). This variant is present in population databases (rs201728859, gnomAD 0.01%). This missense change has been observed in individual(s) with personal or family history of breast and/or ovarian cancer (PMID: 25452441, 26787654, 31159747). ClinVar contains an entry for this variant (Variation ID: 185329). Invitae Evidence Modeling of protein sequence and biophysical properties (such as structural, functional, and spatial information, amino acid conservation, physicochemical variation, residue mobility, and thermodynamic stability) has been performed for this missense variant. However, the output from this modeling did not meet the statistical confidence thresholds required to predict the impact of this variant on RAD50 protein function. In summary, the available evidence is currently insufficient to determine the role of this variant in disease. Therefore, it has been classified as a Variant of Uncertain Significance.

Ambry Genetics
Classification: Uncertain significance for Hereditary cancer-predisposing syndrome. Last evaluated: 2023-06-18. Review status: criteria provided, single submitter. Criteria: Ambry Variant Classification Scheme 2023. Collection method: clinical testing. Allele origin: germline.
Comment: The p.L262R variant (also known as c.785T>G), located in coding exon 6 of the RAD50 gene, results from a T to G substitution at nucleotide position 785. The leucine at codon 262 is replaced by arginine, an amino acid with dissimilar properties. This alteration has been detected in 1/1824 patients with triple-negative breast cancer who were unselected for a family history of breast or ovarian cancer (Couch FJ et al. J. Clin. Oncol. 2015 Feb;33:304-11). This alteration has been reported in 1/1197 individuals from Greece, Romania, and Turkey undergoing evaluation for inherited cancer predisposition (Tsaousis GN et al. BMC Cancer. 2019 Jun;19:535). In another study, this alteration was not identified in 1297 cases of early-onset breast cancer but was observed with a frequency of 0.000077 in 1121 controls (Young EL et al. J Med Genet. 2016 06;53:366-76). This amino acid position is highly conserved in available vertebrate species. In addition, the in silico prediction for this alteration is inconclusive. Since supporting evidence is limited at this time, the clinical significance of this alteration remains unclear.

Women's Health and Genetics/Laboratory Corporation of America, LabCorp
Classification: Uncertain significance. Last evaluated: 2023-01-04. Review status: criteria provided, single submitter. Criteria: LabCorp Variant Classification Summary - May 2015. Collection method: clinical testing. Allele origin: germline.
Comment: Variant summary: RAD50 c.785T>G (p.Leu262Arg) results in a non-conservative amino acid change in the encoded protein sequence. Three of five in-silico tools predict a damaging effect of the variant on protein function. The variant allele was found at a frequency of 5.2e-05 in 249800 control chromosomes (gnomAD), predominantly at a frequency of 0.00012 within the Non-Finnish European subpopulation in the gnomAD database. The observed variant frequency within Non-Finnish European control individuals in the gnomAD database is approximately 2 fold of the estimated maximal expected allele frequency for a pathogenic variant in RAD50 causing Hereditary Breast And Ovarian Cancer Syndrome phenotype (6.3e-05), strongly suggesting that the variant is a benign polymorphism found primarily in populations of Non-Finnish European origin. c.785T>G continues to be reported in the literature as a VUS in settings of multigene panel testing among individuals affected with breast cancer (example, Damiola_2014, Couch_2015, Young_2016, Goidescu_2018, Tsaousis_2019). These reports do not provide unequivocal conclusions about association of the variant with Hereditary Breast And Ovarian Cancer Syndrome. To our knowledge, no experimental evidence demonstrating an impact on protein function has been reported. Five ClinVar submitters have assessed the variant since 2014: all five classify the variant as uncertain significance. Based on the evidence outlined above, the variant was classified as VUS-possibly benign.

Institute for Clinical Genetics, University Hospital TU Dresden, University Hospital TU Dresden
Classification: Uncertain significance. Last evaluated: 2021-11-03. Review status: criteria provided, single submitter. Criteria: ACMG Guidelines, 2015. Collection method: clinical testing. Allele origin: germline.

Fulgent Genetics
Classification: Uncertain significance for Nijmegen breakage syndrome-like disorder. Last evaluated: 2018-10-31. Review status: criteria provided, single submitter. Criteria: ACMG Guidelines, 2015. Collection method: clinical testing. Allele origin: unknown.

GeneKor MSA
Classification: Uncertain significance for Hereditary cancer-predisposing syndrome. Last evaluated: 2018-08-01. Review status: criteria provided, single submitter. Criteria: ACMG Guidelines, 2015. Collection method: clinical testing. Allele origin: germline. Affected: yes.

Literature cited by the submitters: PubMed 25452441 (cited by 3 submitters); PubMed 26787654 (cited by 3 submitters); PubMed 31159747 (cited by 3 submitters); PubMed 24894818 (cited by Women's Health and Genetics/Laboratory Corporation of America, LabCorp); PubMed 29785153 (cited by Women's Health and Genetics/Laboratory Corporation of America, LabCorp); PubMed 33471991 (cited by Women's Health and Genetics/Laboratory Corporation of America, LabCorp).